The following is an entry in ClinVar:

NM_001942.4(DSG1):c.2216T>C (p.Ile739Thr)

Genes: DSG1 (desmoglein 1; plus strand), DSG1-AS1 (DSG1 antisense RNA 1; minus strand), LOC126862720 (MED14-independent group 3 enhancer GRCh37_chr18:28933613-28934812; plus strand). Cytogenetic location: 18q12.1.
Variant type: single nucleotide variant.
Coding change: c.2216T>C on transcript NM_001942.4 (MANE Select); coding-DNA position 2216, T replaced by C.
Protein change: p.Ile739Thr; replaces isoleucine 739 with threonine.
Molecular consequence: missense variant. On other transcripts: non-coding transcript variant (1).
Genome position (GRCh38, 1-based): chr18:31,354,412, T>C. VCF-style: chr18-31354412-T-C. GRCh37 (hg19) VCF-style: chr18-28934375-T-C.
Other names: short protein forms I739T.
Identifiers: ClinVar variation 789236 (VCV000789236.43), dbSNP rs117656447, ClinGen allele CA8926316.

ClinVar aggregate classification (germline): Benign/Likely benign. Review status: criteria provided, multiple submitters, no conflicts (2 of 4 stars). 4 submissions from 4 submitters: Benign (3); Likely benign (1). Last evaluated 2026-07-01.

Conditions:
Severe dermatitis-multiple allergies-metabolic wasting syndrome. Also called: ERYTHRODERMA, CONGENITAL, WITH PALMOPLANTAR KERATODERMA, HYPOTRICHOSIS, RECURRENT INFECTIONS, AND MULTIPLE FOOD ALLERGIES; SEVERE DERMATITIS, MULTIPLE ALLERGIES, AND METABOLIC WASTING SYNDROME; SAM SYNDROME; Erythroderma, congenital, with palmoplantar keratoderma, hypotrichosis, and hyper-ige. Identifiers: Orphanet 369992, MedGen C3809719, MONDO:0014218, OMIM 615508.
Palmoplantar keratoderma i, striate, focal, or diffuse. Also called: KERATODERMA, PALMOPLANTAR, STRIATE FORM I; STRIATE PALMOPLANTAR KERATODERMA I; KERATOSIS PALMOPLANTARIS STRIATA I; PALMOPLANTAR KERATODERMA I, STRIATE OR DIFFUSE; PALMOPLANTAR KERATODERMA I, FOCAL; Keratosis Palmoplantaris Striata I, AD. Identifiers: Orphanet 369999, Orphanet 370002, MedGen C2931122, MONDO:0007859, OMIM 148700.

Allele frequency attached by ClinVar (database versions not stated): 1000 Genomes Project 30x 0.00344; 1000 Genomes Project 0.00359; gnomAD exomes 0.00718 and 0.01038; gnomAD 0.00725 and 0.00747; TOPMed 0.00744; ExAC 0.00759; ESP Exome Variant Server 0.01061.
gnomAD v4.1: 16,104 of 1,614,200 alleles (1%); highest among the groups gnomAD compares: Non-Finnish European, 1.2%; 109 homozygotes.

Submissions (4):

CeGaT Center for Human Genetics Tuebingen
Classification: Benign. Last evaluated: 2026-07-01. Review status: criteria provided, single submitter. Criteria: CeGaT Center For Human Genetics Tuebingen Variant Classification Criteria Version 2. Collection method: clinical testing. Allele origin: germline. Affected: yes. Observed: 11 variant alleles.
Comment: DSG1: BS1, BS2

Labcorp Genetics (formerly Invitae), Labcorp
Classification: Benign. Last evaluated: 2026-02-03. Review status: criteria provided, single submitter. Criteria: Invitae Variant Classification Sherloc (09022015). Collection method: clinical testing. Allele origin: germline.

Fulgent Genetics
Classification: Likely benign for Palmoplantar keratoderma i, striate, focal, or diffuse; Severe dermatitis-multiple allergies-metabolic wasting syndrome. Last evaluated: 2021-11-01. Review status: criteria provided, single submitter. Criteria: ACMG Guidelines, 2015. Collection method: clinical testing. Allele origin: unknown.

Breakthrough Genomics
Classification: Benign. Review status: criteria provided, single submitter. Criteria: ACMG Guidelines, 2015. Collection method: not provided. Allele origin: germline. Inheritance: Autosomal recessive inheritance. Affected: yes.